The following is an entry in ClinVar:

NM_001005361.3(DNM2):c.1526A>G (p.Lys509Arg)

Gene: DNM2 (dynamin 2; plus strand). Cytogenetic location: 19p13.2.
Variant type: single nucleotide variant.
Coding change: c.1526A>G on transcript NM_001005361.3 (MANE Select); coding-DNA position 1526, A replaced by G.
Protein change: p.Lys509Arg; replaces lysine 509 with arginine.
Molecular consequence: missense variant.
Genome position (GRCh38, 1-based): chr19:10,805,948, A>G. VCF-style: chr19-10805948-A-G. GRCh37 (hg19) VCF-style: chr19-10916624-A-G.
Other names: c.1526A>G, p.Lys509Arg (NM_001005360.3, NM_001005362.3, NM_001190716.2 and 1 more transcripts); short protein forms K509R.
Identifiers: ClinVar variation 465280 (VCV000465280.10), dbSNP rs1555712608, ClinGen allele CA404038802.

ClinVar aggregate classification (germline): Uncertain significance (1 of 4 stars; one submission).

Conditions:
Charcot-Marie-Tooth disease dominant intermediate B (CMTDIB). Also called: CHARCOT-MARIE-TOOTH NEUROPATHY, DOMINANT INTERMEDIATE B; Charcot-Marie-Tooth disease dominant intermediate 1; CMT DI1; Charcot-Marie-Tooth disease dominant intermediate I. Identifiers: Orphanet 100044, Orphanet 228179, MedGen C1847902, MONDO:0011674, OMIM 606482.

Submission:

Labcorp Genetics (formerly Invitae), Labcorp
Classification: Uncertain significance for Charcot-Marie-Tooth disease dominant intermediate B. Last evaluated: 2022-07-22. Review status: criteria provided, single submitter. Criteria: Invitae Variant Classification Sherloc (09022015). Collection method: clinical testing. Allele origin: germline.
Comment: In summary, the available evidence is currently insufficient to determine the role of this variant in disease. Therefore, it has been classified as a Variant of Uncertain Significance. Algorithms developed to predict the effect of missense changes on protein structure and function are either unavailable or do not agree on the potential impact of this missense change (SIFT: "Tolerated"; PolyPhen-2: "Probably Damaging"; Align-GVGD: "Class C0"). ClinVar contains an entry for this variant (Variation ID: 465280). This variant has not been reported in the literature in individuals affected with DNM2-related conditions. This variant is not present in population databases (gnomAD no frequency). This sequence change replaces lysine, which is basic and polar, with arginine, which is basic and polar, at codon 509 of the DNM2 protein (p.Lys509Arg).